The following is an entry in ClinVar:

NC_000017.10:g.(?_78180679)_(78182040_?)del

Gene: CARD14 (caspase recruitment domain family member 14; plus strand). Cytogenetic location: 17q25.3.
Variant type: Deletion.
Identifiers: ClinVar variation 3242917 (VCV003242917.1).

ClinVar aggregate classification (germline): Uncertain significance (1 of 4 stars; one submission).

Conditions:
Pityriasis rubra pilaris (PRP). Also called: Pityriasis rubra pilaris--familial type. Identifiers: Orphanet 2897, MedGen C0032027, MONDO:0100017, OMIM 173200, MONDO:0008251.
Psoriasis 2. Identifiers: MedGen C1864497, MONDO:0011269, OMIM 602723.

Submission:

Labcorp Genetics (formerly Invitae), Labcorp
Classification: Uncertain significance for Pityriasis rubra pilaris; Psoriasis 2. Last evaluated: 2022-11-23. Review status: criteria provided, single submitter. Criteria: Invitae Variant Classification Sherloc (09022015). Collection method: clinical testing. Allele origin: unknown.
Comment: Variants that disrupt the consensus splice site are a relatively common cause of aberrant splicing (PMID: 17576681, 9536098). In summary, the available evidence is currently insufficient to determine the role of this variant in disease. Therefore, it has been classified as a Variant of Uncertain Significance. This variant has not been reported in the literature in individuals affected with CARD14-related conditions. This variant results in the deletion of exon 20 and part of exon 21 (c.2692-90_2911del) of the CARD14 gene. While this deletion is not anticipated to lead to nonsense mediated decay, it is expected to alter mRNA translation or result in a truncated protein product.

Literature cited by the submitters: PubMed 17576681; PubMed 9536098.